The following is an entry in ClinVar:

NM_153460.4(IL17RC):c.634C>T (p.Leu212Phe)

Gene: IL17RC (interleukin 17 receptor C; plus strand). Cytogenetic location: 3p25.3.
Variant type: single nucleotide variant.
Coding change: c.634C>T on transcript NM_153460.4 (MANE Select); coding-DNA position 634, C replaced by T.
Protein change: p.Leu212Phe; replaces leucine 212 with phenylalanine.
Molecular consequence: missense variant. On other transcripts: non-coding transcript variant (1).
Genome position (GRCh38, 1-based): chr3:9,923,892, C>T. VCF-style: chr3-9923892-C-T. GRCh37 (hg19) VCF-style: chr3-9965576-C-T.
Other names: c.634C>T, p.Leu212Phe (NM_001203263.2, NM_001203264.2, NM_001367278.1); c.589C>T, p.Leu197Phe (NM_001203265.2, NM_001367280.1, NM_032732.6); c.514C>T, p.Leu172Phe (NM_001367279.1); c.847C>T, p.Leu283Phe (NM_153461.4); short protein forms L283F, L212F, L197F, L172F.
Identifiers: ClinVar variation 542531 (VCV000542531.7), dbSNP rs145242225, ClinGen allele CA2246916.

ClinVar aggregate classification (germline): Uncertain significance (1 of 4 stars; one submission).

Conditions:
Candidiasis, familial, 9 (CANDF9). Identifiers: Orphanet 1334, MedGen C4225324, MONDO:0014642, OMIM 616445.

Allele frequency attached by ClinVar (database versions not stated): gnomAD exomes 0.00004 and 0.00014; ExAC 0.00015; gnomAD 0.00044 and 0.00046; TOPMed 0.00050; ESP Exome Variant Server 0.00054; 1000 Genomes Project 30x 0.00078; 1000 Genomes Project 0.00080.
gnomAD v4.1: 131 of 1,614,080 alleles (0.0081%); highest among the groups gnomAD compares: African/African-American, 0.16%; no homozygotes.

Submission:

Labcorp Genetics (formerly Invitae), Labcorp
Classification: Uncertain significance for Candidiasis, familial, 9. Last evaluated: 2025-06-04. Review status: criteria provided, single submitter. Criteria: Invitae Variant Classification Sherloc (09022015). Collection method: clinical testing. Allele origin: germline.
Comment: This sequence change replaces leucine, which is neutral and non-polar, with phenylalanine, which is neutral and non-polar, at codon 283 of the IL17RC protein (p.Leu283Phe). This variant is present in population databases (rs145242225, gnomAD 0.2%), and has an allele count higher than expected for a pathogenic variant. This variant has not been reported in the literature in individuals affected with IL17RC-related conditions. ClinVar contains an entry for this variant (Variation ID: 542531). An algorithm developed to predict the effect of missense changes on protein structure and function outputs the following: PolyPhen-2: "Benign". The phenylalanine amino acid residue is found in multiple mammalian species, which suggests that this missense change does not adversely affect protein function. In summary, the available evidence is currently insufficient to determine the role of this variant in disease. Therefore, it has been classified as a Variant of Uncertain Significance.